The following is an entry in ClinVar:

NM_014249.4(NR2E3):c.365G>A (p.Arg122His)

Gene: NR2E3 (nuclear receptor subfamily 2 group E member 3; plus strand). Cytogenetic location: 15q23.
Variant type: single nucleotide variant.
Coding change: c.365G>A on transcript NM_014249.4 (MANE Select); coding-DNA position 365, G replaced by A.
Protein change: p.Arg122His; replaces arginine 122 with histidine.
Molecular consequence: missense variant.
Genome position (GRCh38, 1-based): chr15:71,811,970, G>A. VCF-style: chr15-71811970-G-A. GRCh37 (hg19) VCF-style: chr15-72104310-G-A.
Other names: c.365G>A, p.Arg122His (NM_016346.4); short protein forms R122H.
Identifiers: ClinVar variation 1910818 (VCV001910818.3), dbSNP rs376678128, ClinGen allele CA7640303.

ClinVar aggregate classification (germline): Uncertain significance. Review status: criteria provided, multiple submitters, no conflicts (2 of 4 stars). 2 submissions from 2 submitters: Uncertain significance (2). Last evaluated 2025-09-23.

Conditions:
ENHANCED S-CONE SYNDROME 1 (ESCS1). Also called: RETINOSCHISIS WITH EARLY HEMERALOPIA; FAVRE HYALOIDEORETINAL DEGENERATION. Identifiers: MedGen CN380299, OMIM 268100.

Allele frequency attached by ClinVar (database versions not stated): gnomAD 0.00001; gnomAD exomes 0.00001; TOPMed 0.00001; ExAC 0.00006; ESP Exome Variant Server 0.00008.

Submissions (2):

Myriad Genetics, Inc.
Classification: Uncertain significance for ENHANCED S-CONE SYNDROME 1. Last evaluated: 2025-09-23. Review status: criteria provided, single submitter. Criteria: Myriad Autosomal Dominant, Autosomal Recessive and X-Linked Classification Criteria (2023). Collection method: clinical testing. Allele origin: unknown.
Comment: NM_014249.2(NR2E3):c.365G>A(R122H) is a missense variant classified as a variant of uncertain significance in the context of enhanced S-cone syndrome. R122H has not been observed in cases with relevant disease. Relevant functional assessments of this variant are not available in the literature. R122H has been observed in referenced population frequency databases. In summary, there is insufficient evidence to classify NM_014249.2(NR2E3):c.365G>A(R122H) as pathogenic or benign. Please note: this variant was assessed in the context of healthy population screening.

Labcorp Genetics (formerly Invitae), Labcorp
Classification: Uncertain significance. Last evaluated: 2022-07-30. Review status: criteria provided, single submitter. Criteria: Invitae Variant Classification Sherloc (09022015). Collection method: clinical testing. Allele origin: germline.
Comment: This sequence change replaces arginine, which is basic and polar, with histidine, which is basic and polar, at codon 122 of the NR2E3 protein (p.Arg122His). The frequency data for this variant in the population databases is considered unreliable, as metrics indicate poor data quality at this position in the gnomAD database. This variant has not been reported in the literature in individuals affected with NR2E3-related conditions. Experimental studies and prediction algorithms are not available or were not evaluated, and the functional significance of this variant is currently unknown. In summary, the available evidence is currently insufficient to determine the role of this variant in disease. Therefore, it has been classified as a Variant of Uncertain Significance.